The following is an entry in ClinVar:

NM_001039141.3(TRIOBP):c.815C>A (p.Thr272Lys)

Gene: TRIOBP (TRIO and F-actin binding protein; plus strand). Cytogenetic location: 22q13.1.
Variant type: single nucleotide variant.
Coding change: c.815C>A on transcript NM_001039141.3 (MANE Select); coding-DNA position 815, C replaced by A.
Protein change: p.Thr272Lys; replaces threonine 272 with lysine.
Molecular consequence: missense variant.
Genome position (GRCh38, 1-based): chr22:37,723,371, C>A. VCF-style: chr22-37723371-C-A. GRCh37 (hg19) VCF-style: chr22-38119378-C-A.
Other names: short protein forms T272K.
Identifiers: ClinVar variation 156028 (VCV000156028.49), dbSNP rs140901235, ClinGen allele CA247101.
Genomic context (GRCh38, chr22:37,723,371, plus strand): 5'-CTCGAAGCACCACGTCTCAGGCTTCTCCTGCCCAAAGGGACACTGCTCAGGCTGCCTCTA[C>A]ACGTGAAATCCCCAGAGCCTCCTCTCCCCATCGAATCACCCAAAGGGACACCTCCAGGGC-3'
Protein context (NP_001034230.1, residues 262-282): AQRDTAQAAS[Thr272Lys]REIPRASSPH

ClinVar aggregate classification (germline): Conflicting classifications of pathogenicity. Review status: criteria provided, conflicting classifications (1 of 4 stars). 7 submissions from 7 submitters: Uncertain significance (2); Likely benign (4). 1 of the submissions does not count toward it. Last evaluated 2026-04-01.

Conditions:
Autosomal recessive nonsyndromic hearing loss 28. Identifiers: Orphanet 90636, MedGen C1853276, MONDO:0012355, OMIM 609823.

Allele frequency attached by ClinVar (database versions not stated): 1000 Genomes Project 30x 0.00078; 1000 Genomes Project 0.00080; ESP Exome Variant Server 0.00118; gnomAD 0.00119 and 0.00121; TOPMed 0.00124.

Submissions (7):

CeGaT Center for Human Genetics Tuebingen
Classification: Likely benign. Last evaluated: 2026-04-01. Review status: criteria provided, single submitter. Criteria: CeGaT Center For Human Genetics Tuebingen Variant Classification Criteria Version 2. Collection method: clinical testing. Allele origin: germline. Affected: yes. Observed: 4 variant alleles.
Comment: TRIOBP: BP4, BS2

Labcorp Genetics (formerly Invitae), Labcorp
Classification: Likely benign. Last evaluated: 2026-01-18. Review status: criteria provided, single submitter. Criteria: Invitae Variant Classification Sherloc (09022015). Collection method: clinical testing. Allele origin: germline.

Blueprint Genetics
Classification: Likely benign. Last evaluated: 2024-11-22. Review status: criteria provided, single submitter. Criteria: ACMG Guidelines, 2015. Collection method: clinical testing. Allele origin: germline.

GeneDx
Classification: Uncertain significance. Last evaluated: 2021-05-20. Review status: criteria provided, single submitter. Criteria: GeneDx Variant Classification Process June 2021. Collection method: clinical testing. Allele origin: germline. Affected: yes.
Comment: In silico analysis supports that this missense variant does not alter protein structure/function; Has not been previously published as pathogenic or benign to our knowledge

ARUP Laboratories, Molecular Genetics and Genomics, ARUP Laboratories
Classification: Likely benign for Autosomal recessive nonsyndromic hearing loss 28. Last evaluated: 2019-03-05. Review status: criteria provided, single submitter. Criteria: ARUP Molecular Germline Variant Investigation Process. Collection method: clinical testing. Allele origin: germline.

Eurofins Ntd Llc (ga)
Classification: Uncertain significance. Last evaluated: 2014-12-09. Review status: criteria provided, single submitter. Criteria: EGL Classification Definitions 2015. Collection method: clinical testing. Allele origin: germline. Observed: 2 variant alleles, 2 heterozygotes.

Genomic Research Center, Shahid Beheshti University of Medical Sciences
No classification provided. Condition: Deafness, autosomal recessive 28. Review status: no classification provided. Collection method: not provided. Allele origin: somatic. Not counted in ClinVar's aggregate classification.
Comment: rs140901235
ClinVar note: Converted during submission from untested to not provided.